The following is an entry in ClinVar:

ClinVar aggregate classification (germline): association (1 of 4 stars; one submission).

Conditions:
Increased histidine. Identifiers: MedGen C1291163.

Allele frequency attached by ClinVar (database versions not stated): gnomAD 0.00001; gnomAD exomes 0.00001; TOPMed 0.00001; 1000 Genomes Project 0.00020; 1000 Genomes Project 30x 0.00031.
gnomAD v4.1: 16 of 1,612,300 alleles (0.00099%); highest among the groups gnomAD compares: Non-Finnish European, 0.001%; no homozygotes.

Submission:

Lupski Lab, Baylor-Hopkins CMG, Baylor College of Medicine
Classification: association for Increased histidine. Last evaluated: 2015-11-15. Review status: criteria provided, single submitter. Criteria: Yu et al. (Circ Cardiovasc Genet. 2015). Collection method: research. Allele origin: germline. Affected: yes. Observed: 1 variant allele, 1 heterozygote.
Comment: Three heterozygous loss-of-function variants in HAL were found in 24/1152 African American individuals, in association with elevated serum histidine levels. Histidine level is a potential predictor of cardiovascular risk. Thus, loss-of-function variants in HAL may modify cardiovascular risk. Findings were replicated in a European American cohort.

Literature cited by the submitters: PubMed 15173056; PubMed 23361591.

NM_002108.3(HAL):c.308+1G>A

Gene: HAL (histidine ammonia-lyase; minus strand). Cytogenetic location: 12q23.1.
Variant type: single nucleotide variant.
Coding change: c.308+1G>A on transcript NM_002108.3; the canonical splice donor site of the intron after coding-DNA position 308, G replaced by A.
Molecular consequence: splice donor variant (on NM_002108.4).
Genome position (GRCh38, 1-based): chr12:95,994,932, C>T on the plus strand (G>A on the coding strand, the complement: HAL is on the minus strand). VCF-style: chr12-95994932-C-T. GRCh37 (hg19) VCF-style: chr12-96388710-C-T.
Other names: c.-250+1G>A (NM_001258333.2); c.308+1G>A (NM_001258334.2, NM_002108.4).
Identifiers: ClinVar variation 225882 (VCV000225882.1), dbSNP rs76945459, ClinGen allele CA10576125.